The following is an entry in ClinVar:

NM_001114753.3(ENG):c.1687-1G>T

Genes: ENG (endoglin; minus strand), LOC102723566 (uncharacterized LOC102723566; plus strand). Cytogenetic location: 9q34.11.
Variant type: single nucleotide variant.
Coding change: c.1687-1G>T on transcript NM_001114753.3 (MANE Select); the canonical splice acceptor site of the intron before coding-DNA position 1687, G replaced by T.
Molecular consequence: splice acceptor variant. On other transcripts: non-coding transcript variant (1).
Genome position (GRCh38, 1-based): chr9:127,817,204, C>A on the plus strand (G>T on the coding strand, the complement: ENG is on the minus strand). VCF-style: chr9-127817204-C-A. GRCh37 (hg19) VCF-style: chr9-130579483-C-A.
Other names: c.1687-1G>T (NM_000118.4); c.1141-1G>T (NM_001278138.2).
Identifiers: ClinVar variation 498114 (VCV000498114.15), dbSNP rs1554809106, ClinGen allele CA374973822.
Genomic context (GRCh38, chr9:127,817,204, plus strand): 5'-CTCACCAGACAGGTCAGGGCTGATGATGTTCAAGCGCATGAAGACAGTCCTATGGACTTC[C>A]TGGAGGAGAAAGAGAGAGCAGTATGTGGCACCTTTGGGAGGCGGCTTCCAGGTTTACTCC-3'

ClinVar aggregate classification (germline): Pathogenic. Review status: criteria provided, multiple submitters, no conflicts (2 of 4 stars). 2 submissions from 2 submitters: Pathogenic (2). Last evaluated 2024-06-23.

Conditions:
Hereditary hemorrhagic telangiectasia (HHT). Also called: Osler hemorrhagic telangiectasia syndrome; ORW DISEASE; Osler Weber Rendu syndrome; OSLER-RENDU-WEBER DISEASE. Identifiers: Orphanet 774, MedGen C0039445, MONDO:0019180. Disease mechanism: loss of function.

Submissions (2):

Labcorp Genetics (formerly Invitae), Labcorp
Classification: Pathogenic for Hereditary hemorrhagic telangiectasia. Last evaluated: 2024-06-23. Review status: criteria provided, single submitter. Criteria: Invitae Variant Classification Sherloc (09022015). Collection method: clinical testing. Allele origin: germline.
Comment: This sequence change affects an acceptor splice site in intron 12 of the ENG gene. It is expected to disrupt RNA splicing. Variants that disrupt the donor or acceptor splice site typically lead to a loss of protein function (PMID: 16199547), and loss-of-function variants in ENG are known to be pathogenic (PMID: 15879500). This variant is not present in population databases (gnomAD no frequency). Disruption of this splice site has been observed in individuals with clinical features of hereditary hemorrhagic telangiectasia (PMID: 30701124; Invitae). ClinVar contains an entry for this variant (Variation ID: 498114). Algorithms developed to predict the effect of sequence changes on RNA splicing suggest that this variant may disrupt the consensus splice site. For these reasons, this variant has been classified as Pathogenic.

Eurofins Ntd Llc (ga)
Classification: Pathogenic. Last evaluated: 2016-11-01. Review status: criteria provided, single submitter. Criteria: EGL Classification Definitions 2015. Collection method: clinical testing. Allele origin: germline. Observed: 1 variant allele, 1 heterozygote.

Literature cited by the submitters: PubMed 16199547 (cited by Labcorp Genetics (formerly Invitae), Labcorp); PubMed 15879500 (cited by Labcorp Genetics (formerly Invitae), Labcorp); PubMed 30701124 (cited by Labcorp Genetics (formerly Invitae), Labcorp).